The following is an entry in ClinVar:

ClinVar aggregate classification (germline): Uncertain significance (1 of 4 stars; one submission).

Conditions:
Fanconi anemia (FA). Also called: Fanconi's anemia. Identifiers: Orphanet 84, MedGen C0015625, MeSH D005199, MONDO:0019391.

Allele frequency attached by ClinVar (database versions not stated): ExAC 0.00003.

Submission:

Labcorp Genetics (formerly Invitae), Labcorp
Classification: Uncertain significance for Fanconi anemia. Last evaluated: 2023-08-11. Review status: criteria provided, single submitter. Criteria: Invitae Variant Classification Sherloc (09022015). Collection method: clinical testing. Allele origin: germline.
Comment: This sequence change replaces glycine, which is neutral and non-polar, with serine, which is neutral and polar, at codon 674 of the FANCD2 protein (p.Gly674Ser). This variant is present in population databases (rs754550122, gnomAD 0.003%). This variant has not been reported in the literature in individuals affected with FANCD2-related conditions. An algorithm developed to predict the effect of missense changes on protein structure and function (PolyPhen-2) suggests that this variant is likely to be tolerated. In summary, the available evidence is currently insufficient to determine the role of this variant in disease. Therefore, it has been classified as a Variant of Uncertain Significance.

NM_001018115.3(FANCD2):c.2020G>A (p.Gly674Ser)

Genes: FANCD2 (FA complementation group D2; plus strand), LOC107303338 (3p25 FANCD2 Alu-mediated recombination region; plus strand). Cytogenetic location: 3p25.3.
Variant type: single nucleotide variant.
Coding change: c.2020G>A on transcript NM_001018115.3 (MANE Select); coding-DNA position 2020, G replaced by A.
Protein change: p.Gly674Ser; replaces glycine 674 with serine.
Molecular consequence: missense variant.
Genome position (GRCh38, 1-based): chr3:10,064,428, G>A. VCF-style: chr3-10064428-G-A. GRCh37 (hg19) VCF-style: chr3-10106112-G-A.
Other names: c.2020G>A, p.Gly674Ser (NM_001319984.2, NM_001374254.1, NM_033084.6); c.1909G>A, p.Gly637Ser (NM_001374253.1); short protein forms G674S, G637S.
Identifiers: ClinVar variation 2813250 (VCV002813250.3), dbSNP rs754550122, ClinGen allele CA2249922.